The following is an entry in ClinVar:

ClinVar aggregate classification (germline): Uncertain significance (1 of 4 stars; one submission).

Conditions:
Inborn genetic diseases. Identifiers: MedGen C0950123, MeSH D030342.

Submission:

Ambry Genetics
Classification: Uncertain significance for Inborn genetic diseases. Last evaluated: 2026-01-20. Review status: criteria provided, single submitter. Criteria: Ambry Variant Classification Scheme 2023. Collection method: clinical testing. Allele origin: germline.
Comment: The p.A716P variant (also known as c.2146G>C), located in coding exon 13 of the ASXL1 gene, results from a G to C substitution at nucleotide position 2146. The alanine at codon 716 is replaced by proline, an amino acid with highly similar properties. This amino acid position is conserved. In addition, this alteration is predicted to be tolerated by in silico analysis. Based on the available evidence, the clinical significance of this variant remains unclear.

NM_015338.6(ASXL1):c.2146G>C (p.Ala716Pro)

Gene: ASXL1 (ASXL transcriptional regulator 1; plus strand). Cytogenetic location: 20q11.21.
Variant type: single nucleotide variant.
Coding change: c.2146G>C on transcript NM_015338.6 (MANE Select); coding-DNA position 2146, G replaced by C.
Protein change: p.Ala716Pro; replaces alanine 716 with proline.
Molecular consequence: missense variant.
Genome position (GRCh38, 1-based): chr20:32,434,858, G>C. VCF-style: chr20-32434858-G-C. GRCh37 (hg19) VCF-style: chr20-31022661-G-C.
Other names: c.1963G>C, p.Ala655Pro (NM_001363734.1); short protein forms A655P, A716P.
Identifiers: ClinVar variation 4825192 (VCV004825192.1).